The following is an entry in ClinVar:

NM_017636.4(TRPM4):c.2654C>T (p.Pro885Leu)

Gene: TRPM4 (transient receptor potential cation channel subfamily M member 4; plus strand). Cytogenetic location: 19q13.33.
Variant type: single nucleotide variant.
Coding change: c.2654C>T on transcript NM_017636.4 (MANE Select); coding-DNA position 2654, C replaced by T.
Protein change: p.Pro885Leu; replaces proline 885 with leucine.
Molecular consequence: missense variant.
Genome position (GRCh38, 1-based): chr19:49,200,308, C>T. VCF-style: chr19-49200308-C-T. GRCh37 (hg19) VCF-style: chr19-49703565-C-T.
Other names: c.2219C>T, p.Pro740Leu (NM_001195227.2); c.2309C>T, p.Pro770Leu (NM_001321281.2); c.1046C>T, p.Pro349Leu (NM_001321282.2); c.2132C>T, p.Pro711Leu (NM_001321283.2); c.1592C>T, p.Pro531Leu (NM_001321285.2); c.2654C>T (NM_017636.3); short protein forms P711L, P885L, P349L, P531L, P770L, P740L.
Identifiers: ClinVar variation 1489143 (VCV001489143.10), dbSNP rs371259147, ClinGen allele CA9569616.

ClinVar aggregate classification (germline): Uncertain significance. Review status: criteria provided, multiple submitters, no conflicts (2 of 4 stars). 2 submissions from 2 submitters: Uncertain significance (2). Last evaluated 2024-09-02.

Conditions:
Cardiovascular phenotype. Identifiers: MedGen CN230736.
Progressive familial heart block type IB (PFHB1B). Identifiers: Orphanet 871, MedGen C1970298, MONDO:0011474, OMIM 604559.

Allele frequency attached by ClinVar (database versions not stated): gnomAD exomes below 0.00001; ExAC 0.00001; gnomAD 0.00001; ESP Exome Variant Server 0.00008.
gnomAD v4.1: 4 of 1,613,990 alleles (0.00025%); highest among the groups gnomAD compares: African/African-American, 0.0027%; no homozygotes.

Submissions (2):

Labcorp Genetics (formerly Invitae), Labcorp
Classification: Uncertain significance for Progressive familial heart block type IB. Last evaluated: 2024-09-02. Review status: criteria provided, single submitter. Criteria: Invitae Variant Classification Sherloc (09022015). Collection method: clinical testing. Allele origin: germline.
Comment: This sequence change replaces proline, which is neutral and non-polar, with leucine, which is neutral and non-polar, at codon 885 of the TRPM4 protein (p.Pro885Leu). This variant is present in population databases (rs371259147, gnomAD 0.007%). This variant has not been reported in the literature in individuals affected with TRPM4-related conditions. ClinVar contains an entry for this variant (Variation ID: 1489143). An algorithm developed to predict the effect of missense changes on protein structure and function (PolyPhen-2) suggests that this variant is likely to be tolerated. In summary, the available evidence is currently insufficient to determine the role of this variant in disease. Therefore, it has been classified as a Variant of Uncertain Significance.

Ambry Genetics
Classification: Uncertain significance for Cardiovascular phenotype. Last evaluated: 2023-07-15. Review status: criteria provided, single submitter. Criteria: Ambry Variant Classification Scheme 2023. Collection method: clinical testing. Allele origin: germline.
Comment: The p.P885L variant (also known as c.2654C>T), located in coding exon 18 of the TRPM4 gene, results from a C to T substitution at nucleotide position 2654. The proline at codon 885 is replaced by leucine, an amino acid with similar properties. This amino acid position is conserved. In addition, this alteration is predicted to be tolerated by in silico analysis. Since supporting evidence is limited at this time, the clinical significance of this alteration remains unclear.